The following is an entry in ClinVar:

ClinVar aggregate classification (germline): Uncertain significance (1 of 4 stars; one submission).

Submission:

GeneDx
Classification: Uncertain significance. Last evaluated: 2024-01-22. Review status: criteria provided, single submitter. Criteria: GeneDx Variant Classification Process June 2021. Collection method: clinical testing. Allele origin: germline. Affected: yes.
Comment: Not observed at significant frequency in large population cohorts (gnomAD); In silico analysis supports that this missense variant does not alter protein structure/function; Has not been previously published as pathogenic or benign to our knowledge

NM_000489.6(ATRX):c.2326A>G (p.Lys776Glu)

Gene: ATRX (ATRX chromatin remodeler; minus strand). Cytogenetic location: Xq21.1.
Variant type: single nucleotide variant.
Coding change: c.2326A>G on transcript NM_000489.6 (MANE Select); coding-DNA position 2326, A replaced by G.
Protein change: p.Lys776Glu; replaces lysine 776 with glutamic acid.
Molecular consequence: missense variant.
Genome position (GRCh38, 1-based): chrX:77,682,930, T>C on the plus strand (A>G on the coding strand, the complement: ATRX is on the minus strand). VCF-style: chrX-77682930-T-C. GRCh37 (hg19) VCF-style: chrX-76938422-T-C.
Other names: c.2212A>G, p.Lys738Glu (NM_138270.5); short protein forms K738E, K776E.
Identifiers: ClinVar variation 3368004 (VCV003368004.1).